The following is an entry in ClinVar:

NM_006231.4(POLE):c.4331T>C (p.Val1444Ala)

Gene: POLE (DNA polymerase epsilon, catalytic subunit; minus strand). Cytogenetic location: 12q24.33.
Variant type: single nucleotide variant.
Coding change: c.4331T>C on transcript NM_006231.4 (MANE Select); coding-DNA position 4331, T replaced by C.
Protein change: p.Val1444Ala; replaces valine 1444 with alanine.
Molecular consequence: missense variant.
Genome position (GRCh38, 1-based): chr12:132,643,520, A>G on the plus strand (T>C on the coding strand, the complement: POLE is on the minus strand). VCF-style: chr12-132643520-A-G. GRCh37 (hg19) VCF-style: chr12-133220106-A-G.
Other names: short protein forms V1444A.
Identifiers: ClinVar variation 540746 (VCV000540746.15), dbSNP rs767189495, ClinGen allele CA387381446.

ClinVar aggregate classification (germline): Uncertain significance. Review status: criteria provided, multiple submitters, no conflicts (2 of 4 stars). 4 submissions from 4 submitters: Uncertain significance (4). Last evaluated 2026-05-13.

Conditions:
POLE-related disorder. Also called: POLE-related disorders; POLE-related condition.
Hereditary cancer-predisposing syndrome. Also called: Tumor predisposition; Hereditary neoplastic syndrome; Neoplastic Syndromes, Hereditary; Hereditary Cancer Syndrome. Identifiers: Orphanet 140162, MedGen C0027672, MeSH D009386, MONDO:0015356.

gnomAD v4.1: 9 of 1,614,156 alleles (0.00056%); highest among the groups gnomAD compares: Non-Finnish European, 0.00059%; no homozygotes.

Submissions (4):

Ambry Genetics
Classification: Uncertain significance for Hereditary cancer-predisposing syndrome. Last evaluated: 2026-05-13. Review status: criteria provided, single submitter. Criteria: Ambry Variant Classification Scheme 2023. Collection method: clinical testing. Allele origin: germline.

Labcorp Genetics (formerly Invitae), Labcorp
Classification: Uncertain significance. Last evaluated: 2025-08-06. Review status: criteria provided, single submitter. Criteria: Invitae Variant Classification Sherloc (09022015). Collection method: clinical testing. Allele origin: germline.
Comment: This sequence change replaces valine, which is neutral and non-polar, with alanine, which is neutral and non-polar, at codon 1444 of the POLE protein (p.Val1444Ala). This variant is present in population databases (no rsID available, gnomAD 0.0009%). This variant has not been reported in the literature in individuals affected with POLE-related conditions. ClinVar contains an entry for this variant (Variation ID: 540746). Invitae Evidence Modeling of protein sequence and biophysical properties (such as structural, functional, and spatial information, amino acid conservation, physicochemical variation, residue mobility, and thermodynamic stability) indicates that this missense variant is not expected to disrupt POLE protein function with a negative predictive value of 80%. In summary, the available evidence is currently insufficient to determine the role of this variant in disease. Therefore, it has been classified as a Variant of Uncertain Significance.

PreventionGenetics, part of Exact Sciences
Classification: Uncertain significance for POLE-related condition. Last evaluated: 2023-01-30. Review status: criteria provided, single submitter. Criteria: ACMG Guidelines, 2015. Collection method: clinical testing. Allele origin: germline.
Comment: The POLE c.4331T>C variant is predicted to result in the amino acid substitution p.Val1444Ala. To our knowledge, this variant has not been reported in the literature. This variant is reported in 1 of ~251,000 alleles in gnomAD and is interpreted as uncertain significance in ClinVar. At this time, the clinical significance of this variant is uncertain due to the absence of conclusive functional and genetic evidence.

GeneDx
Classification: Uncertain significance. Last evaluated: 2022-11-23. Review status: criteria provided, single submitter. Criteria: GeneDx Variant Classification Process June 2021. Collection method: clinical testing. Allele origin: germline. Affected: yes.
Comment: Not observed at significant frequency in large population cohorts (gnomAD); In silico analysis supports that this missense variant has a deleterious effect on protein structure/function; Has not been previously published as pathogenic or benign to our knowledge